The following is an entry in ClinVar:

NM_006766.5(KAT6A):c.4946_4975del (p.Gln1649_Gln1658del)

Gene: KAT6A (lysine acetyltransferase 6A; minus strand). Cytogenetic location: 8p11.21.
Variant type: Deletion.
Coding change: c.4946_4975del on transcript NM_006766.5 (MANE Select); coding-DNA positions 4946 to 4975, 30 bases deleted (AGCAGCCGCCACCACCGCCTCCACAGCAGC).
Protein change: p.Gln1649_Gln1658del.
Molecular consequence: inframe deletion.
Genome position (GRCh38, 1-based): chr8:41,933,245-41,933,274, GCTGCTGTGGAGGCGGTGGTGGCGGCTGCT deleted on the plus strand (AGCAGCCGCCACCACCGCCTCCACAGCAGC on the coding strand, the reverse complement: KAT6A is on the minus strand); deleting any 30 consecutive bases within chr8:41,933,245-41,933,281 gives the same sequence; the c. name uses the placement nearest the transcript's 3' end. VCF-style (leftmost placement, unchanged base first): chr8-41933244-GGCTGCTGTGGAGGCGGTGGTGGCGGCTGCT-G. GRCh37 (hg19) VCF-style: chr8-41790762-GGCTGCTGTGGAGGCGGTGGTGGCGGCTGCT-G.
Identifiers: ClinVar variation 4291765 (VCV004291765.1).

ClinVar aggregate classification (germline): Uncertain significance (1 of 4 stars; one submission).

Conditions:
Autosomal dominant intellectual disability-craniofacial anomalies-cardiac defects syndrome (ARTHS). Also called: KAT6A syndrome; Mental retardation, autosomal dominant 32; Arboleda-Tham syndrome. Identifiers: Orphanet 457193, MedGen C4225396, MONDO:0014558, OMIM 616268.

Submission:

3billion
Classification: Uncertain significance for Autosomal dominant intellectual disability-craniofacial anomalies-cardiac defects syndrome. Last evaluated: 2024-11-08. Review status: criteria provided, single submitter. Criteria: ACMG Guidelines, 2015. Collection method: clinical testing. Allele origin: germline. Affected: yes.
Comment: The variant is not observed in the gnomAD v4.1.0 dataset. Predicted Consequence/Location: Inframe deletion located in a nonrepeat region: predicted to change the length of the protein and disrupt normal protein function. Therefore, this variant is classified as VUS according to the recommendation of ACMG/AMP guideline.